The following is an entry in ClinVar:

ClinVar aggregate classification (germline): Uncertain significance (1 of 4 stars; one submission).

Allele frequency attached by ClinVar (database versions not stated): ExAC 0.00001; gnomAD exomes 0.00001.
gnomAD v4.1: 10 of 1,613,594 alleles (0.00062%); highest among the groups gnomAD compares: Non-Finnish European, 0.00085%; no homozygotes.

Submission:

Labcorp Genetics (formerly Invitae), Labcorp
Classification: Uncertain significance. Last evaluated: 2023-09-11. Review status: criteria provided, single submitter. Criteria: Invitae Variant Classification Sherloc (09022015). Collection method: clinical testing. Allele origin: germline.
Comment: This variant has not been reported in the literature in individuals affected with CLCN6-related conditions. In summary, the available evidence is currently insufficient to determine the role of this variant in disease. Therefore, it has been classified as a Variant of Uncertain Significance. An algorithm developed to predict the effect of missense changes on protein structure and function (PolyPhen-2) suggests that this variant is likely to be disruptive. This variant is present in population databases (rs766430252, gnomAD 0.0009%). This sequence change replaces isoleucine, which is neutral and non-polar, with valine, which is neutral and non-polar, at codon 624 of the CLCN6 protein (p.Ile624Val).

NM_001286.5(CLCN6):c.1870A>G (p.Ile624Val)

Gene: CLCN6 (chloride voltage-gated channel 6; plus strand). Cytogenetic location: 1p36.22.
Variant type: single nucleotide variant.
Coding change: c.1870A>G on transcript NM_001286.5 (MANE Select); coding-DNA position 1870, A replaced by G.
Protein change: p.Ile624Val; replaces isoleucine 624 with valine.
Molecular consequence: missense variant. On other transcripts: non-coding transcript variant (1).
Genome position (GRCh38, 1-based): chr1:11,836,043, A>G. VCF-style: chr1-11836043-A-G. GRCh37 (hg19) VCF-style: chr1-11896100-A-G.
Other names: c.1804A>G, p.Ile602Val (NM_001256959.2); short protein forms I602V, I624V.
Identifiers: ClinVar variation 2851885 (VCV002851885.3), dbSNP rs766430252, ClinGen allele CA596637.
Genomic context (GRCh38, chr1:11,836,043, plus strand): 5'-ATCATGGAGCCCAACCTGACCTACGTCTACCCGCACACCCGCATCCAGTCTCTGGTGAGC[A>G]TCCTGCGCACCACGGTCCACCATGCCTTCCCGGTGGTCACAGAGAACCGCGGTAACGAGA-3'
Protein context (NP_001277.2, residues 614-634): PHTRIQSLVS[Ile624Val]LRTTVHHAFP